The following is an entry in ClinVar:

ClinVar aggregate classification (germline): Benign/Likely benign. Review status: criteria provided, multiple submitters, no conflicts (2 of 4 stars). 2 submissions from 2 submitters: Benign (1); Likely benign (1). Last evaluated 2025-05-27.

Conditions:
Prostate cancer, hereditary, 9 (HPC9). Identifiers: Orphanet 1331, MedGen C1970250, MONDO:0012597, OMIM 610997.

Submissions (2):

Labcorp Genetics (formerly Invitae), Labcorp
Classification: Likely benign. Last evaluated: 2025-05-27. Review status: criteria provided, single submitter. Criteria: Invitae Variant Classification Sherloc (09022015). Collection method: clinical testing. Allele origin: germline.

Myriad Genetics, Inc.
Classification: Benign for Prostate cancer, hereditary, 9. Last evaluated: 2024-10-28. Review status: criteria provided, single submitter. Criteria: Myriad Autosomal Dominant, Autosomal Recessive and X-Linked Classification Criteria (2023). Collection method: clinical testing. Allele origin: unknown.
Comment: This variant is considered benign. This variant is a silent/synonymous amino acid change and it is not expected to impact splicing.

NM_006361.6(HOXB13):c.15T>C (p.Asn5=)

Gene: HOXB13 (homeobox B13; minus strand). Cytogenetic location: 17q21.32.
Variant type: single nucleotide variant.
Coding change: c.15T>C on transcript NM_006361.6 (MANE Select); coding-DNA position 15, T replaced by C.
Protein change: p.Asn5=; no amino-acid change (asparagine 5 retained).
Molecular consequence: synonymous variant.
Genome position (GRCh38, 1-based): chr17:48,728,579, A>G on the plus strand (T>C on the coding strand, the complement: HOXB13 is on the minus strand). VCF-style: chr17-48728579-A-G. GRCh37 (hg19) VCF-style: chr17-46805941-A-G.
Identifiers: ClinVar variation 3773042 (VCV003773042.2).
Genomic context (GRCh38, chr17:48,728,579, plus strand): 5'-CCGCCCCCCTCCCGCTCCCAGCAAGCCTTCGATATCCTTGGCTCCATCCAAGGTGGCATA[A>G]TTGCCGGGCTCCATGGAGCCGAGGGTCGGCTCATGAGGTGCGGGGGCGGGGAATCTAGGG-3'
Protein context (NP_006352.2, residues 1-15): MEPG[Asn5=]YATLDGAKDI